The following is an entry in ClinVar:

NM_020461.4(TUBGCP6):c.1141C>T (p.Arg381Trp)

Gene: TUBGCP6 (tubulin gamma complex component 6; minus strand). Cytogenetic location: 22q13.33.
Variant type: single nucleotide variant.
Coding change: c.1141C>T on transcript NM_020461.4 (MANE Select); coding-DNA position 1141, C replaced by T.
Protein change: p.Arg381Trp; replaces arginine 381 with tryptophan.
Molecular consequence: missense variant.
Genome position (GRCh38, 1-based): chr22:50,229,553, G>A on the plus strand (C>T on the coding strand, the complement: TUBGCP6 is on the minus strand). VCF-style: chr22-50229553-G-A. GRCh37 (hg19) VCF-style: chr22-50667982-G-A.
Other names: c.1141C>T (NM_020461.3); short protein forms R381W.
Identifiers: ClinVar variation 1369678 (VCV001369678.9), dbSNP rs74767375, ClinGen allele CA10308807.

ClinVar aggregate classification (germline): Uncertain significance. Review status: criteria provided, multiple submitters, no conflicts (2 of 4 stars). 3 submissions from 3 submitters: Uncertain significance (3). Last evaluated 2026-01-26.

Conditions:
Inborn genetic diseases. Identifiers: MedGen C0950123, MeSH D030342.

Allele frequency attached by ClinVar (database versions not stated): gnomAD exomes 0.00005 and 0.00011; ExAC 0.00006; gnomAD 0.00009; TOPMed 0.00009; 1000 Genomes Project 30x 0.00016; 1000 Genomes Project 0.00020.
gnomAD v4.1: 168 of 1,598,092 alleles (0.011%); highest among the groups gnomAD compares: Non-Finnish European, 0.013%; no homozygotes.

Submissions (3):

Labcorp Genetics (formerly Invitae), Labcorp
Classification: Uncertain significance. Last evaluated: 2026-01-26. Review status: criteria provided, single submitter. Criteria: Invitae Variant Classification Sherloc (09022015). Collection method: clinical testing. Allele origin: germline.
Comment: This sequence change replaces arginine, which is basic and polar, with tryptophan, which is neutral and slightly polar, at codon 381 of the TUBGCP6 protein (p.Arg381Trp). This variant is present in population databases (rs74767375, gnomAD 0.009%). This variant has not been reported in the literature in individuals affected with TUBGCP6-related conditions. ClinVar contains an entry for this variant (Variation ID: 1369678). An algorithm developed to predict the effect of missense changes on protein structure and function (PolyPhen-2) suggests that this variant is likely to be disruptive. In summary, the available evidence is currently insufficient to determine the role of this variant in disease. Therefore, it has been classified as a Variant of Uncertain Significance.

Ambry Genetics
Classification: Uncertain significance for Inborn genetic diseases. Last evaluated: 2025-04-09. Review status: criteria provided, single submitter. Criteria: Ambry Variant Classification Scheme 2023. Collection method: clinical testing. Allele origin: germline.

Blueprint Genetics
Classification: Uncertain significance. Last evaluated: 2024-09-10. Review status: criteria provided, single submitter. Criteria: ACMG Guidelines, 2015. Collection method: clinical testing. Allele origin: germline.